The following is an entry in ClinVar:

ClinVar aggregate classification (germline): Uncertain significance (1 of 4 stars; one submission).

gnomAD v4.1: 1 of 1,612,930 alleles (0.000062%); highest among the groups gnomAD compares: Non-Finnish European, 0.000085%; no homozygotes.

Submission:

Labcorp Genetics (formerly Invitae), Labcorp
Classification: Uncertain significance. Last evaluated: 2025-01-08. Review status: criteria provided, single submitter. Criteria: Invitae Variant Classification Sherloc (09022015). Collection method: clinical testing. Allele origin: germline.
Comment: This sequence change affects codon 200 of the CAMK2B mRNA. It is a 'silent' change, meaning that it does not change the encoded amino acid sequence of the CAMK2B protein. It affects a nucleotide within the consensus splice site. This variant is not present in population databases (gnomAD no frequency). This variant has not been reported in the literature in individuals affected with CAMK2B-related conditions. Algorithms developed to predict the effect of sequence changes on RNA splicing suggest that this variant is not likely to affect RNA splicing. In summary, the available evidence is currently insufficient to determine the role of this variant in disease. Therefore, it has been classified as a Variant of Uncertain Significance.

NM_001220.5(CAMK2B):c.600T>C (p.Cys200=)

Gene: CAMK2B (calcium/calmodulin dependent protein kinase II beta; minus strand). Cytogenetic location: 7p13.
Variant type: single nucleotide variant.
Coding change: c.600T>C on transcript NM_001220.5 (MANE Select); coding-DNA position 600, T replaced by C.
Protein change: p.Cys200=; no amino-acid change (cysteine 200 retained).
Molecular consequence: synonymous variant.
Genome position (GRCh38, 1-based): chr7:44,243,251, A>G on the plus strand (T>C on the coding strand, the complement: CAMK2B is on the minus strand). VCF-style: chr7-44243251-A-G. GRCh37 (hg19) VCF-style: chr7-44282850-A-G.
Other names: c.600T>C, p.Cys200= (NM_001293170.2, NM_172078.3, NM_172079.3 and 5 more transcripts).
Identifiers: ClinVar variation 3728690 (VCV003728690.2).
Genomic context (GRCh38, chr7:44,243,251, plus strand): 5'-GGTGGGAAGTCCTGAAACACCCGAGGCCCTGCCCCGCACCAACTCAGGCCAGGCCTCACC[A>G]CATGCCCAGATGTCCACAGGCTTGCCATACGCCTCTTTGCGAAGGACCTCAGGGGACAGG-3'
Protein context (NP_001211.3, residues 190-210): AYGKPVDIWA[Cys200=]GVILYILLVG